The following is an entry in ClinVar:

ClinVar aggregate classification (germline): Uncertain significance (1 of 4 stars; one submission).

Conditions:
Brown-Vialetto-van Laere syndrome 1. Also called: BROWN-VIALETTO-VAN LAERE SYNDROME 1, MILD; BULBAR PALSY, PROGRESSIVE, WITH SENSORINEURAL DEAFNESS; PONTOBULBAR PALSY WITH DEAFNESS. Identifiers: Orphanet 572550, Orphanet 97229, MedGen C0796274, MONDO:0024537, OMIM 211530.

Allele frequency attached by ClinVar (database versions not stated): ExAC 0.00002; gnomAD 0.00001; gnomAD exomes 0.00002.
gnomAD v4.1: 16 of 1,614,052 alleles (0.00099%); highest among the groups gnomAD compares: Non-Finnish European, 0.001%; no homozygotes.

Submission:

Labcorp Genetics (formerly Invitae), Labcorp
Classification: Uncertain significance for Brown-Vialetto-van Laere syndrome 1. Last evaluated: 2022-08-23. Review status: criteria provided, single submitter. Criteria: Invitae Variant Classification Sherloc (09022015). Collection method: clinical testing. Allele origin: germline.
Comment: This sequence change replaces threonine, which is neutral and polar, with methionine, which is neutral and non-polar, at codon 182 of the SLC52A3 protein (p.Thr182Met). In summary, the available evidence is currently insufficient to determine the role of this variant in disease. Therefore, it has been classified as a Variant of Uncertain Significance. Algorithms developed to predict the effect of missense changes on protein structure and function are either unavailable or do not agree on the potential impact of this missense change (SIFT: "Deleterious"; PolyPhen-2: "Possibly Damaging"; Align-GVGD: "Class C0"). ClinVar contains an entry for this variant (Variation ID: 1481559). This variant has not been reported in the literature in individuals affected with SLC52A3-related conditions. This variant is present in population databases (rs201100567, gnomAD 0.009%).

NM_033409.4(SLC52A3):c.545C>T (p.Thr182Met)

Gene: SLC52A3 (solute carrier family 52 member 3; minus strand). Cytogenetic location: 20p13.
Variant type: single nucleotide variant.
Coding change: c.545C>T on transcript NM_033409.4 (MANE Select); coding-DNA position 545, C replaced by T.
Protein change: p.Thr182Met; replaces threonine 182 with methionine.
Molecular consequence: missense variant.
Genome position (GRCh38, 1-based): chr20:765,230, G>A on the plus strand (C>T on the coding strand, the complement: SLC52A3 is on the minus strand). VCF-style: chr20-765230-G-A. GRCh37 (hg19) VCF-style: chr20-745874-G-A.
Other names: c.545C>T, p.Thr182Met (NM_001370085.1, NM_001370086.1); short protein forms T182M.
Identifiers: ClinVar variation 1481559 (VCV001481559.6), dbSNP rs201100567, ClinGen allele CA9724756.